The following is an entry in ClinVar:

NM_001429.4(EP300):c.604C>T (p.Arg202Ter)

Gene: EP300 (EP300 lysine acetyltransferase; plus strand). Cytogenetic location: 22q13.2.
Variant type: single nucleotide variant.
Coding change: c.604C>T on transcript NM_001429.4 (MANE Select); coding-DNA position 604, C replaced by T.
Protein change: p.Arg202Ter; replaces arginine 202 with a stop codon.
Molecular consequence: nonsense.
Genome position (GRCh38, 1-based): chr22:41,117,696, C>T. VCF-style: chr22-41117696-C-T. GRCh37 (hg19) VCF-style: chr22-41513700-C-T.
Other names: c.604C>T, p.Arg202Ter (NM_001362843.2); short protein forms R202*.
Identifiers: ClinVar variation 2921094 (VCV002921094.2), dbSNP rs2145697529, ClinGen allele CA411681304.
Genomic context (GRCh38, chr22:41,117,696, plus strand): 5'-AATGGACAAGGGATAATGCCTAATCAAGTCATGAACGGTTCAATTGGAGCAGGCCGAGGG[C>T]GACAGAATATGCAGTACCCAAACCCAGGCATGGGAAGTGCTGGCAACTTACTGACTGAGC-3'

ClinVar aggregate classification (germline): Pathogenic. Review status: criteria provided, multiple submitters, no conflicts (2 of 4 stars). 2 submissions from 2 submitters: Pathogenic (2). Last evaluated 2026-11-11.

Conditions:
Rubinstein-Taybi syndrome due to EP300 haploinsufficiency. Also called: RUBINSTEIN-TAYBI SYNDROME 2; EP300-Related Rubinstein-Taybi Syndrome. Identifiers: Orphanet 353284, Orphanet 783, MedGen C3150941, MONDO:0013364, OMIM 613684.

Submissions (2):

Department of Human Genetics, Hannover Medical School
Classification: Pathogenic for Rubinstein-Taybi syndrome due to EP300 haploinsufficiency. Last evaluated: 2026-11-11. Review status: criteria provided, single submitter. Criteria: ACMG Guidelines, 2015. Collection method: clinical testing. Allele origin: germline. Affected: yes.
Comment: PVS1, PS2_Supporting, PM2_Supporting

ARUP Laboratories, Molecular Genetics and Genomics, ARUP Laboratories
Classification: Pathogenic. Last evaluated: 2023-10-02. Review status: criteria provided, single submitter. Criteria: ARUP Molecular Germline Variant Investigation Process 2024. Collection method: clinical testing. Allele origin: germline.
Comment: The EP300 c.604C>T; p.Arg202Ter variant, to our knowledge, is not reported in the medical literature or gene specific databases. This variant is absent from the Genome Aggregation Database (v2.1.1), indicating it is not a common polymorphism. This variant induces an early termination codon and is predicted to result in a truncated protein or mRNA subject to nonsense-mediated decay. Based on available information, this variant is considered to be pathogenic.